The following is an entry in ClinVar:

NM_144604.4(ZC3H18):c.1245C>T (p.Arg415=)

Gene: ZC3H18 (zinc finger CCCH-type containing 18; plus strand). Cytogenetic location: 16q24.2.
Variant type: single nucleotide variant.
Coding change: c.1245C>T on transcript NM_144604.4 (MANE Select); coding-DNA position 1245, C replaced by T.
Protein change: p.Arg415=; no amino-acid change (arginine 415 retained).
Molecular consequence: synonymous variant.
Genome position (GRCh38, 1-based): chr16:88,611,306, C>T. VCF-style: chr16-88611306-C-T. GRCh37 (hg19) VCF-style: chr16-88677714-C-T.
Other names: c.1317C>T, p.Arg439= (NM_001294340.2).
Identifiers: ClinVar variation 2646979 (VCV002646979.24), dbSNP rs776556506, ClinGen allele CA8227192.

ClinVar aggregate classification (germline): Likely benign (1 of 4 stars; one submission).

Allele frequency attached by ClinVar (database versions not stated): TOPMed 0.00001; ExAC 0.00005.
gnomAD v4.1: 4 of 751,824 alleles (0.00053%); highest among the groups gnomAD compares: Admixed American, 0.0056%; no homozygotes.

Submission:

CeGaT Center for Human Genetics Tuebingen
Classification: Likely benign. Last evaluated: 2023-03-01. Review status: criteria provided, single submitter. Criteria: CeGaT Center For Human Genetics Tuebingen Variant Classification Criteria Version 2. Collection method: clinical testing. Allele origin: germline. Affected: yes. Observed: 1 variant allele.
Comment: ZC3H18: BP4, BP7